The following is an entry in ClinVar:

ClinVar aggregate classification (germline): Pathogenic (1 of 4 stars; one submission).

Submission:

Labcorp Genetics (formerly Invitae), Labcorp
Classification: Pathogenic. Last evaluated: 2022-12-08. Review status: criteria provided, single submitter. Criteria: Invitae Variant Classification Sherloc (09022015). Collection method: clinical testing. Allele origin: germline.
Comment: This sequence change creates a premature translational stop signal (p.Tyr1141Argfs*11) in the USH2A gene. It is expected to result in an absent or disrupted protein product. Loss-of-function variants in USH2A are known to be pathogenic (PMID: 10729113, 10909849, 20507924, 25649381). This premature translational stop signal has been observed in individual(s) with Usher syndrome (PMID: 32675063). This variant is not present in population databases (gnomAD no frequency). For these reasons, this variant has been classified as Pathogenic.

Literature cited by the submitters: PubMed 10729113; PubMed 10909849; PubMed 20507924; PubMed 25649381; PubMed 32675063.

NM_206933.4(USH2A):c.3420_3423del (p.Tyr1141fs)

Genes: USH2A (usherin; minus strand), USH2A-AS1 (USH2A antisense RNA 1; plus strand). Cytogenetic location: 1q41.
Variant type: Deletion.
Coding change: c.3420_3423del on transcript NM_206933.4 (MANE Select); coding-DNA positions 3420 to 3423, 4 bases deleted (TTAC; older notation c.3420_3423delTTAC).
Protein change: p.Tyr1141fs; shifts the reading frame from tyrosine 1141.
Molecular consequence: frameshift variant.
Genome position (GRCh38, 1-based): chr1:216,200,015-216,200,018, GTAA deleted on the plus strand (TTAC on the coding strand, the reverse complement: USH2A is on the minus strand); deleting any 4 consecutive bases within chr1:216,200,015-216,200,020 gives the same sequence; the c. name uses the placement nearest the transcript's 3' end. VCF-style (leftmost placement, unchanged base first): chr1-216200014-TGTAA-T. GRCh37 (hg19) VCF-style: chr1-216373356-TGTAA-T.
Other names: c.3420_3423del, p.Tyr1141fs (NM_007123.6); short protein forms Y1141fs.
Identifiers: ClinVar variation 2734093 (VCV002734093.3), dbSNP rs2528046959, ClinGen allele CA2586968492.